The following is an entry in ClinVar:

ClinVar aggregate classification (germline): Pathogenic. Review status: criteria provided, multiple submitters, no conflicts (2 of 4 stars). 2 submissions from 2 submitters: Pathogenic (2). Last evaluated 2023-03-08.

Conditions:
RYR1-related disorder. Also called: RYR1-related disorders; RYR1-related condition. Identifiers: MedGen CN239331.
Myopathy. Identifiers: MedGen C0026848, MeSH D009135, MONDO:0005336, HP:0003198.

Submissions (2):

Labcorp Genetics (formerly Invitae), Labcorp
Classification: Pathogenic for RYR1-related disorder. Last evaluated: 2023-03-08. Review status: criteria provided, single submitter. Criteria: Invitae Variant Classification Sherloc (09022015). Collection method: clinical testing. Allele origin: germline.
Comment: This sequence change creates a premature translational stop signal (p.Gly627*) in the RYR1 gene. It is expected to result in an absent or disrupted protein product. Loss-of-function variants in RYR1 are known to be pathogenic (PMID: 23919265, 25960145, 28818389, 30611313). This variant is not present in population databases (gnomAD no frequency). This variant has not been reported in the literature in individuals affected with RYR1-related conditions. ClinVar contains an entry for this variant (Variation ID: 212098). For these reasons, this variant has been classified as Pathogenic.

Genetic Services Laboratory, University of Chicago
Classification: Pathogenic for Myopathy. Last evaluated: 2015-04-23. Review status: criteria provided, single submitter. Criteria: ACMG Guidelines, 2015. Collection method: clinical testing. Allele origin: germline. Affected: yes.

Literature cited by the submitters: PubMed 23919265 (cited by Labcorp Genetics (formerly Invitae), Labcorp); PubMed 25960145 (cited by Labcorp Genetics (formerly Invitae), Labcorp); PubMed 28818389 (cited by Labcorp Genetics (formerly Invitae), Labcorp); PubMed 30611313 (cited by Labcorp Genetics (formerly Invitae), Labcorp).

NM_000540.3(RYR1):c.1878_1882del (p.Pro626_Gly627insTer)

Gene: RYR1 (ryanodine receptor 1; plus strand). Cytogenetic location: 19q13.2.
Variant type: Deletion.
Coding change: c.1878_1882del on transcript NM_000540.3 (MANE Select); coding-DNA positions 1878 to 1882, 5 bases deleted (TGGCC; older notation c.1878_1882delTGGCC).
Protein change: p.Pro626_Gly627insTer.
Molecular consequence: frameshift variant.
Genome position (GRCh38, 1-based): chr19:38,457,583-38,457,587, TGGCC deleted; deleting any 5 consecutive bases within chr19:38,457,580-38,457,587 gives the same sequence; the c. name uses the placement nearest the transcript's 3' end. VCF-style (leftmost placement, unchanged base first): chr19-38457579-TGCCTG-T. GRCh37 (hg19) VCF-style: chr19-38948219-TGCCTG-T.
Other names: c.1878_1882del, p.Pro626_Gly627insTer (NM_001042723.2).
Identifiers: ClinVar variation 212098 (VCV000212098.9), dbSNP rs797045931, ClinGen allele CA205848.